The following is an entry in ClinVar:

ClinVar aggregate classification (germline): Uncertain significance (1 of 4 stars; one submission).

Submission:

Labcorp Genetics (formerly Invitae), Labcorp
Classification: Uncertain significance. Last evaluated: 2024-11-05. Review status: criteria provided, single submitter. Criteria: Invitae Variant Classification Sherloc (09022015). Collection method: clinical testing. Allele origin: germline.
Comment: This sequence change replaces proline, which is neutral and non-polar, with arginine, which is basic and polar, at codon 142 of the TNFRSF11A protein (p.Pro142Arg). This variant is not present in population databases (gnomAD no frequency). This variant has not been reported in the literature in individuals affected with TNFRSF11A-related conditions. An algorithm developed to predict the effect of missense changes on protein structure and function (PolyPhen-2) suggests that this variant is likely to be disruptive. In summary, the available evidence is currently insufficient to determine the role of this variant in disease. Therefore, it has been classified as a Variant of Uncertain Significance.

NM_003839.4(TNFRSF11A):c.425C>G (p.Pro142Arg)

Gene: TNFRSF11A (TNF receptor superfamily member 11a; plus strand). Cytogenetic location: 18q21.33.
Variant type: single nucleotide variant.
Coding change: c.425C>G on transcript NM_003839.4 (MANE Select); coding-DNA position 425, C replaced by G.
Protein change: p.Pro142Arg; replaces proline 142 with arginine.
Molecular consequence: missense variant.
Genome position (GRCh38, 1-based): chr18:62,354,532, C>G. VCF-style: chr18-62354532-C-G. GRCh37 (hg19) VCF-style: chr18-60021765-C-G.
Other names: c.425C>G, p.Pro142Arg (NM_001270949.2, NM_001270950.2, NM_001270951.2 and 1 more transcripts); short protein forms P142R.
Identifiers: ClinVar variation 3638201 (VCV003638201.2).